The following is an entry in ClinVar:

ClinVar aggregate classification (germline): Uncertain significance (1 of 4 stars; one submission).

gnomAD v4.1: 8 of 1,611,828 alleles (0.0005%); highest among the groups gnomAD compares: Admixed American, 0.0033%; no homozygotes.

Submission:

Women's Health and Genetics/Laboratory Corporation of America, LabCorp
Classification: Uncertain significance. Last evaluated: 2026-06-16. Review status: criteria provided, single submitter. Criteria: LabCorp Variant Classification Summary - May 2015. Collection method: clinical testing. Allele origin: germline.
Comment: Variant summary: CACNA1I c.2789C>T (p.Ala930Val) results in a non-conservative amino acid change in the encoded protein sequence. Algorithms developed to predict the effect of missense changes on protein structure and function are either unavailable or do not agree on the potential impact of this missense change. The variant allele was found at a frequency of 8.2e-06 in 245288 control chromosomes. The available data on variant occurrences in the general population are insufficient to allow any conclusion about variant significance. To our knowledge, no occurrence of c.2789C>T in individuals affected with CACNA1I-related conditions and no experimental evidence demonstrating its impact on protein function have been reported. No submitters have cited clinical-significance assessments for this variant to ClinVar. Based on the evidence outlined above, the variant was classified as uncertain significance.

NM_021096.4(CACNA1I):c.2789C>T (p.Ala930Val)

Gene: CACNA1I (calcium voltage-gated channel subunit alpha1 I; plus strand). Cytogenetic location: 22q13.1.
Variant type: single nucleotide variant.
Coding change: c.2789C>T on transcript NM_021096.4 (MANE Select); coding-DNA position 2789, C replaced by T.
Protein change: p.Ala930Val; replaces alanine 930 with valine.
Molecular consequence: missense variant.
Genome position (GRCh38, 1-based): chr22:39,661,198, C>T. VCF-style: chr22-39661198-C-T. GRCh37 (hg19) VCF-style: chr22-40057203-C-T.
Other names: c.2684C>T, p.Ala895Val (NM_001003406.2); short protein forms A895V, A930V.
Identifiers: ClinVar variation 4887193 (VCV004887193.1).